The following is an entry in ClinVar:

NM_000302.4(PLOD1):c.1329-1G>T

Gene: PLOD1 (procollagen-lysine,2-oxoglutarate 5-dioxygenase 1; plus strand). Cytogenetic location: 1p36.22.
Variant type: single nucleotide variant.
Coding change: c.1329-1G>T on transcript NM_000302.4 (MANE Select); the canonical splice acceptor site of the intron before coding-DNA position 1329, G replaced by T.
Molecular consequence: splice acceptor variant.
Genome position (GRCh38, 1-based): chr1:11,964,643, G>T. VCF-style: chr1-11964643-G-T. GRCh37 (hg19) VCF-style: chr1-12024700-G-T.
Other names: c.1470-1G>T (NM_001316320.2).
Identifiers: ClinVar variation 646544 (VCV000646544.7), dbSNP rs112460511, ClinGen allele CA18013118.

ClinVar aggregate classification (germline): Likely pathogenic (1 of 4 stars; one submission).

Conditions:
Ehlers-Danlos syndrome, kyphoscoliotic type 1 (EDSKSCL1). Also called: EHLERS-DANLOS SYNDROME, TYPE VIA; PLOD1-Related Kyphoscoliotic Ehlers-Danlos Syndrome; EHLERS-DANLOS SYNDROME, OCULAR-SCOLIOTIC TYPE; Ehlers-Danlos syndrome, hydroxylysine-deficient. Identifiers: Orphanet 1900, MedGen C0268342, MONDO:0016002, OMIM 225400. Disease mechanism: loss of function.

Submission:

Labcorp Genetics (formerly Invitae), Labcorp
Classification: Likely pathogenic for Ehlers-Danlos syndrome, kyphoscoliotic type 1. Last evaluated: 2022-08-09. Review status: criteria provided, single submitter. Criteria: Invitae Variant Classification Sherloc (09022015). Collection method: clinical testing. Allele origin: germline.
Comment: ClinVar contains an entry for this variant (Variation ID: 646544). Algorithms developed to predict the effect of sequence changes on RNA splicing suggest that this variant may disrupt the consensus splice site. In summary, the currently available evidence indicates that the variant is pathogenic, but additional data are needed to prove that conclusively. Therefore, this variant has been classified as Likely Pathogenic. This variant has not been reported in the literature in individuals affected with PLOD1-related conditions. This sequence change affects an acceptor splice site in intron 12 of the PLOD1 gene. It is expected to disrupt RNA splicing. Variants that disrupt the donor or acceptor splice site typically lead to a loss of protein function (PMID: 16199547), and loss-of-function variants in PLOD1 are known to be pathogenic (PMID: 10874315, 21699693). This variant is not present in population databases (gnomAD no frequency).

Literature cited by the submitters: PubMed 16199547; PubMed 10874315; PubMed 21699693.